The following is an entry in ClinVar:

NM_001776.6(ENTPD1):c.537G>T (p.Trp179Cys)

Genes: ENTPD1 (ectonucleoside triphosphate diphosphohydrolase 1; plus strand), ENTPD1-AS1 (ENTPD1 antisense RNA 1; minus strand). Cytogenetic location: 10q24.1.
Variant type: single nucleotide variant.
Coding change: c.537G>T on transcript NM_001776.6 (MANE Select); coding-DNA position 537, G replaced by T.
Protein change: p.Trp179Cys; replaces tryptophan 179 with cysteine.
Molecular consequence: missense variant.
Genome position (GRCh38, 1-based): chr10:95,844,599, G>T. VCF-style: chr10-95844599-G-T. GRCh37 (hg19) VCF-style: chr10-97604356-G-T.
Other names: c.558G>T, p.Trp186Cys (NM_001098175.2); c.573G>T, p.Trp191Cys (NM_001164178.1, NM_001320916.1); c.537G>T, p.Trp179Cys (NM_001164179.2); c.213G>T, p.Trp71Cys (NM_001164181.1, NM_001312654.1); c.123G>T, p.Trp41Cys (NM_001164182.2, NM_001164183.2); short protein forms W179C, W186C, W71C, W191C, W41C.
Identifiers: ClinVar variation 1380587 (VCV001380587.9), dbSNP rs2140853040, ClinGen allele CA377822838.

ClinVar aggregate classification (germline): Uncertain significance. Review status: criteria provided, multiple submitters, no conflicts (2 of 4 stars). 2 submissions from 2 submitters: Uncertain significance (2). Last evaluated 2024-02-24.

Conditions:
Hereditary spastic paraplegia 64. Also called: Spastic paraplegia 64, autosomal recessive; ENTPD1-Related Neurodevelopmental Disorder. Identifiers: Orphanet 401810, MedGen C3810289, MONDO:0014303, OMIM 615683.

gnomAD v4.1: 1 of 1,614,180 alleles (0.000062%); highest among the groups gnomAD compares: Non-Finnish European, 0.000085%; no homozygotes.

Submissions (2):

3billion
Classification: Uncertain significance for Hereditary spastic paraplegia 64. Last evaluated: 2024-02-24. Review status: criteria provided, single submitter. Criteria: ACMG Guidelines, 2015. Collection method: clinical testing. Allele origin: germline. Affected: yes.
Comment: The variant is not observed in the gnomAD v2.1.1 dataset. Predicted Consequence/Location: The majority of the known disease-causing variants of this gene are variants expected to result in premature termination of the protein. In silico tool predictions suggest damaging effect of the variant on gene or gene product [REVEL: 0.80 (>=0.6, sensitivity 0.68 and specificity 0.92); 3Cnet: 0.91 (>=0.6, sensitivity 0.72 and precision 0.9)]. Therefore, this variant is classified as VUS according to the recommendation of ACMG/AMP guideline.

Labcorp Genetics (formerly Invitae), Labcorp
Classification: Uncertain significance for Hereditary spastic paraplegia 64. Last evaluated: 2021-12-02. Review status: criteria provided, single submitter. Criteria: Invitae Variant Classification Sherloc (09022015). Collection method: clinical testing. Allele origin: germline.
Comment: This variant has not been reported in the literature in individuals affected with ENTPD1-related conditions. This variant is not present in population databases (gnomAD no frequency). This sequence change replaces tryptophan, which is neutral and slightly polar, with cysteine, which is neutral and slightly polar, at codon 179 of the ENTPD1 protein (p.Trp179Cys). In summary, the available evidence is currently insufficient to determine the role of this variant in disease. Therefore, it has been classified as a Variant of Uncertain Significance. Algorithms developed to predict the effect of missense changes on protein structure and function are either unavailable or do not agree on the potential impact of this missense change (SIFT: "Deleterious"; PolyPhen-2: "Probably Damaging"; Align-GVGD: "Class C0").